The following is an entry in ClinVar:

ClinVar aggregate classification (germline): Uncertain significance (1 of 4 stars; one submission).

Allele frequency attached by ClinVar (database versions not stated): ExAC 0.00001; gnomAD exomes 0.00001; TOPMed 0.00001.
gnomAD v4.1: 16 of 1,613,990 alleles (0.00099%); highest among the groups gnomAD compares: African/African-American, 0.0027%; no homozygotes.

Submission:

Labcorp Genetics (formerly Invitae), Labcorp
Classification: Uncertain significance. Last evaluated: 2025-06-01. Review status: criteria provided, single submitter. Criteria: Invitae Variant Classification Sherloc (09022015). Collection method: clinical testing. Allele origin: germline.
Comment: This sequence change replaces tyrosine, which is neutral and polar, with cysteine, which is neutral and slightly polar, at codon 1017 of the LRP6 protein (p.Tyr1017Cys). This variant is present in population databases (rs770770249, gnomAD 0.007%). This variant has not been reported in the literature in individuals affected with LRP6-related conditions. ClinVar contains an entry for this variant (Variation ID: 1365239). Invitae Evidence Modeling of protein sequence and biophysical properties (such as structural, functional, and spatial information, amino acid conservation, physicochemical variation, residue mobility, and thermodynamic stability) indicates that this missense variant is not expected to disrupt LRP6 protein function with a negative predictive value of 80%. In summary, the available evidence is currently insufficient to determine the role of this variant in disease. Therefore, it has been classified as a Variant of Uncertain Significance.

NM_002336.3(LRP6):c.3050A>G (p.Tyr1017Cys)

Gene: LRP6 (LDL receptor related protein 6; minus strand). Cytogenetic location: 12p13.2.
Variant type: single nucleotide variant.
Coding change: c.3050A>G on transcript NM_002336.3 (MANE Select); coding-DNA position 3050, A replaced by G.
Protein change: p.Tyr1017Cys; replaces tyrosine 1017 with cysteine.
Molecular consequence: missense variant.
Genome position (GRCh38, 1-based): chr12:12,149,098, T>C on the plus strand (A>G on the coding strand, the complement: LRP6 is on the minus strand). VCF-style: chr12-12149098-T-C. GRCh37 (hg19) VCF-style: chr12-12302032-T-C.
Other names: short protein forms Y1017C.
Identifiers: ClinVar variation 1365239 (VCV001365239.8), dbSNP rs770770249, ClinGen allele CA6455333.